The following is an entry in ClinVar:

NM_003119.4(SPG7):c.1937-15G>A

Gene: SPG7 (SPG7 matrix AAA peptidase subunit, paraplegin; plus strand). Cytogenetic location: 16q24.3.
Variant type: single nucleotide variant.
Coding change: c.1937-15G>A on transcript NM_003119.4 (MANE Select); 15 bases into the intron before coding-DNA position 1937, G replaced by A.
Molecular consequence: intron variant.
Genome position (GRCh38, 1-based): chr16:89,553,779, G>A. VCF-style: chr16-89553779-G-A. GRCh37 (hg19) VCF-style: chr16-89620187-G-A.
Other names: c.1937-15G>A (NM_001363850.1).
Identifiers: ClinVar variation 514711 (VCV000514711.5), dbSNP rs201272528, ClinGen allele CA8244490.

ClinVar aggregate classification (germline): Likely benign. Review status: criteria provided, multiple submitters, no conflicts (2 of 4 stars). 2 submissions from 2 submitters: Likely benign (2). Last evaluated 2025-04-18.

Conditions:
Hereditary spastic paraplegia 7 (SPG7). Also called: SPASTIC PARAPLEGIA 7, AUTOSOMAL RECESSIVE, WITH OR WITHOUT CEREBELLAR ATAXIA; Spastic paraplegia 7; Hereditary spastic paraplegia Paraplegin type; Autosomal recessive spastic paraplegia type 7; SPG7-related neurologic disorder. Identifiers: Orphanet 99013, MedGen C1846564, MONDO:0011803, OMIM 607259.

Allele frequency attached by ClinVar (database versions not stated): TOPMed 0.00002; ExAC 0.00003; gnomAD exomes 0.00004; gnomAD 0.00007.
gnomAD v4.1: 65 of 1,613,020 alleles (0.004%); highest among the groups gnomAD compares: South Asian, 0.015%; 1 homozygote.

Submissions (2):

Labcorp Genetics (formerly Invitae), Labcorp
Classification: Likely benign for Hereditary spastic paraplegia 7. Last evaluated: 2025-04-18. Review status: criteria provided, single submitter. Criteria: Invitae Variant Classification Sherloc (09022015). Collection method: clinical testing. Allele origin: germline.

GeneDx
Classification: Likely benign. Last evaluated: 2018-01-16. Review status: criteria provided, single submitter. Criteria: GeneDx Variant Classification (06012015). Collection method: clinical testing. Allele origin: germline. Affected: yes.
Comment: This variant is considered likely benign or benign based on one or more of the following criteria: it is a conservative change, it occurs at a poorly conserved position in the protein, it is predicted to be benign by multiple in silico algorithms, and/or has population frequency not consistent with disease.